The following is an entry in ClinVar:

NM_004304.5(ALK):c.3836+2T>C

Gene: ALK (ALK receptor tyrosine kinase; minus strand). Cytogenetic location: 2p23.2.
Variant type: single nucleotide variant.
Coding change: c.3836+2T>C on transcript NM_004304.5 (MANE Select); the canonical splice donor site of the intron after coding-DNA position 3836, T replaced by C.
Molecular consequence: splice donor variant.
Genome position (GRCh38, 1-based): chr2:29,209,784, A>G on the plus strand (T>C on the coding strand, the complement: ALK is on the minus strand). VCF-style: chr2-29209784-A-G. GRCh37 (hg19) VCF-style: chr2-29432650-A-G.
Other names: c.632+2T>C (NM_001353765.2).
Identifiers: ClinVar variation 2566553 (VCV002566553.2), dbSNP rs2148155012, ClinGen allele CA346469515.
Genomic context (GRCh38, chr2:29,209,784, plus strand): 5'-CCATTCTTGAGGGGCTGAGGTGGAAGAGACAGGCCCGGAGGGGTGAGGCAGTCTTTACTC[A>G]CCTGTAGATGTCTCGGGCCATCCCGAAGTCTCCAATCTTGGCCACTCTTCCAGGGCCTGG-3'

ClinVar aggregate classification (germline): Uncertain significance (1 of 4 stars; one submission).

Conditions:
Hereditary cancer-predisposing syndrome. Also called: Neoplastic Syndromes, Hereditary; Hereditary Cancer Syndrome; Hereditary neoplastic syndrome; Tumor predisposition. Identifiers: Orphanet 140162, MedGen C0027672, MeSH D009386, MONDO:0015356.

Submission:

Ambry Genetics
Classification: Uncertain significance for Hereditary cancer-predisposing syndrome. Last evaluated: 2023-04-13. Review status: criteria provided, single submitter. Criteria: Ambry Variant Classification Scheme 2023. Collection method: clinical testing. Allele origin: germline.
Comment: The c.3836+2T>C intronic variant results from a T to C substitution two nucleotides after coding exon 25 in the ALK gene. This nucleotide position is highly conserved in available vertebrate species. In silico splice site analysis predicts that this alteration may weaken the native splice donor site. Alterations that disrupt the canonical splice site are expected to cause aberrant splicing, resulting in an abnormal protein or a transcript that is subject to nonsense-mediated mRNA decay. However, loss of function of ALK has not been established as a mechanism of disease. Since supporting evidence is limited at this time, the clinical significance of this alteration remains unclear.